The following is an entry in ClinVar:

NM_002890.3(RASA1):c.3011C>T (p.Ala1004Val)

Genes: CCNH (cyclin H; minus strand), RASA1 (RAS p21 protein activator 1; plus strand). Cytogenetic location: 5q14.3.
Variant type: single nucleotide variant.
Coding change: c.3011C>T on transcript NM_002890.3 (MANE Select); coding-DNA position 3011, C replaced by T.
Protein change: p.Ala1004Val; replaces alanine 1004 with valine.
Molecular consequence: missense variant. On other transcripts: intron variant (1).
Genome position (GRCh38, 1-based): chr5:87,389,478, C>T. VCF-style: chr5-87389478-C-T. GRCh37 (hg19) VCF-style: chr5-86685295-C-T.
Other names: c.2480C>T, p.Ala827Val (NM_022650.3); c.933+5566G>A (NM_001364075.2); short protein forms A1004V, A827V.
Identifiers: ClinVar variation 1381670 (VCV001381670.7), dbSNP rs2112525174, ClinGen allele CA360388388.

ClinVar aggregate classification (germline): Uncertain significance (1 of 4 stars; one submission).

Conditions:
Capillary malformation-arteriovenous malformation syndrome. Also called: Capillary malformation-arteriovenous malformation. Identifiers: Orphanet 137667, MedGen C1842180, MONDO:0012016.

Submission:

Labcorp Genetics (formerly Invitae), Labcorp
Classification: Uncertain significance for Capillary malformation-arteriovenous malformation syndrome. Last evaluated: 2021-09-17. Review status: criteria provided, single submitter. Criteria: Invitae Variant Classification Sherloc (09022015). Collection method: clinical testing. Allele origin: germline.
Comment: In summary, the available evidence is currently insufficient to determine the role of this variant in disease. Therefore, it has been classified as a Variant of Uncertain Significance. Algorithms developed to predict the effect of missense changes on protein structure and function (SIFT, PolyPhen-2, Align-GVGD) all suggest that this variant is likely to be tolerated. This variant has not been reported in the literature in individuals affected with RASA1-related conditions. This variant is not present in population databases (ExAC no frequency). This sequence change replaces alanine with valine at codon 1004 of the RASA1 protein (p.Ala1004Val). The alanine residue is highly conserved and there is a small physicochemical difference between alanine and valine.